The following is an entry in ClinVar:

NM_030787.4(CFHR5):c.758A>G (p.Asp253Gly)

Gene: CFHR5 (complement factor H related 5; plus strand). Cytogenetic location: 1q31.3.
Variant type: single nucleotide variant.
Coding change: c.758A>G on transcript NM_030787.4 (MANE Select); coding-DNA position 758, A replaced by G.
Protein change: p.Asp253Gly; replaces aspartic acid 253 with glycine.
Molecular consequence: missense variant.
Genome position (GRCh38, 1-based): chr1:196,995,867, A>G. VCF-style: chr1-196995867-A-G. GRCh37 (hg19) VCF-style: chr1-196964997-A-G.
Other names: short protein forms D253G.
Identifiers: ClinVar variation 3023447 (VCV003023447.3), dbSNP rs1475314885, ClinGen allele CA344005130.
Genomic context (GRCh38, chr1:196,995,867, plus strand): 5'-TGGAATATGATTGCAATCCTAATTTTATAATAAACGGGCCTAAGAAAATACAATGTGTGG[A>G]TGGAGAATGGACAACTTTACCCACTTGTGTTGGTAAATAAATATTAACATTTAAACAGGA-3'
Protein context (NP_110414.1, residues 243-263): INGPKKIQCV[Asp253Gly]GEWTTLPTCV

ClinVar aggregate classification (germline): Uncertain significance (1 of 4 stars; one submission).

Allele frequency attached by ClinVar (database versions not stated): gnomAD exomes below 0.00001.
gnomAD v4.1: 2 of 1,613,382 alleles (0.00012%); highest among the groups gnomAD compares: Admixed American, 0.0017%; no homozygotes.

Submission:

Labcorp Genetics (formerly Invitae), Labcorp
Classification: Uncertain significance. Last evaluated: 2023-06-29. Review status: criteria provided, single submitter. Criteria: Invitae Variant Classification Sherloc (09022015). Collection method: clinical testing. Allele origin: germline.
Comment: Advanced modeling of protein sequence and biophysical properties (such as structural, functional, and spatial information, amino acid conservation, physicochemical variation, residue mobility, and thermodynamic stability) has been performed at Invitae for this missense variant, however the output from this modeling did not meet the statistical confidence thresholds required to predict the impact of this variant on CFHR5 protein function. In summary, the available evidence is currently insufficient to determine the role of this variant in disease. Therefore, it has been classified as a Variant of Uncertain Significance. This variant has not been reported in the literature in individuals affected with CFHR5-related conditions. This sequence change replaces aspartic acid, which is acidic and polar, with glycine, which is neutral and non-polar, at codon 253 of the CFHR5 protein (p.Asp253Gly). This variant is present in population databases (no rsID available, gnomAD 0.003%).